The following is an entry in ClinVar:

ClinVar aggregate classification (germline): Uncertain significance (1 of 4 stars; one submission).

Allele frequency attached by ClinVar (database versions not stated): ExAC 0.00001; gnomAD 0.00001; gnomAD exomes 0.00001 and 0.00002; TOPMed 0.00002; 1000 Genomes Project 0.00020; 1000 Genomes Project 30x 0.00031.

Submission:

Labcorp Genetics (formerly Invitae), Labcorp
Classification: Uncertain significance. Last evaluated: 2021-06-07. Review status: criteria provided, single submitter. Criteria: Invitae Variant Classification Sherloc (09022015). Collection method: clinical testing. Allele origin: germline.
Comment: This sequence change replaces glutamic acid with lysine at codon 313 of the CEP135 protein (p.Glu313Lys). The glutamic acid residue is highly conserved and there is a small physicochemical difference between glutamic acid and lysine. The frequency data for this variant in the population databases is considered unreliable, as metrics indicate poor data quality at this position in the ExAC database. This variant has not been reported in the literature in individuals with CEP135-related conditions. Algorithms developed to predict the effect of missense changes on protein structure and function are either unavailable or do not agree on the potential impact of this missense change (SIFT: "Tolerated"; PolyPhen-2: "Probably Damaging"; Align-GVGD: "Class C0"). In summary, the available evidence is currently insufficient to determine the role of this variant in disease. Therefore, it has been classified as a Variant of Uncertain Significance.

NM_025009.5(CEP135):c.937G>A (p.Glu313Lys)

Gene: CEP135 (centrosomal protein 135; plus strand). Cytogenetic location: 4q12.
Variant type: single nucleotide variant.
Coding change: c.937G>A on transcript NM_025009.5 (MANE Select); coding-DNA position 937, G replaced by A.
Protein change: p.Glu313Lys; replaces glutamic acid 313 with lysine.
Molecular consequence: missense variant.
Genome position (GRCh38, 1-based): chr4:55,965,752, G>A. VCF-style: chr4-55965752-G-A. GRCh37 (hg19) VCF-style: chr4-56831918-G-A.
Other names: short protein forms E313K.
Identifiers: ClinVar variation 1514934 (VCV001514934.8), dbSNP rs530454383, ClinGen allele CA2927715.